The following is an entry in ClinVar:

ClinVar aggregate classification (germline): Uncertain significance (1 of 4 stars; one submission).

Conditions:
Inborn genetic diseases. Identifiers: MedGen C0950123, MeSH D030342.

Submission:

Ambry Genetics
Classification: Uncertain significance for Inborn genetic diseases. Last evaluated: 2025-08-20. Review status: criteria provided, single submitter. Criteria: Ambry Variant Classification Scheme 2023. Collection method: clinical testing. Allele origin: germline.
Comment: The p.F955I variant (also known as c.2863T>A), located in coding exon 29 of the RTEL1 gene, results from a T to A substitution at nucleotide position 2863. The phenylalanine at codon 955 is replaced by isoleucine, an amino acid with highly similar properties. This amino acid position is conserved. In addition, the in silico prediction for this alteration is inconclusive. Based on the available evidence, the clinical significance of this variant remains unclear.

NM_001283009.2(RTEL1):c.2863T>A (p.Phe955Ile)

Genes: RTEL1 (regulator of telomere elongation helicase 1; plus strand), RTEL1-TNFRSF6B (RTEL1-TNFRSF6B readthrough (NMD candidate); plus strand). Cytogenetic location: 20q13.33.
Variant type: single nucleotide variant.
Coding change: c.2863T>A on transcript NM_001283009.2 (MANE Select); coding-DNA position 2863, T replaced by A.
Protein change: p.Phe955Ile; replaces phenylalanine 955 with isoleucine.
Molecular consequence: missense variant. On other transcripts: non-coding transcript variant (1).
Genome position (GRCh38, 1-based): chr20:63,693,154, T>A. VCF-style: chr20-63693154-T-A. GRCh37 (hg19) VCF-style: chr20-62324507-T-A.
Other names: c.2194T>A, p.Phe732Ile (NM_001283010.1); c.2863T>A, p.Phe955Ile (NM_016434.4); c.2935T>A, p.Phe979Ile (NM_032957.5); short protein forms F979I, F732I, F955I.
Identifiers: ClinVar variation 4157682 (VCV004157682.1).